The following is an entry in ClinVar:

ClinVar aggregate classification (germline): Uncertain significance (1 of 4 stars; one submission).

Conditions:
Ciliary dyskinesia, primary, 37 (CILD37). Also called: CILIARY DYSKINESIA, PRIMARY, 37, WITH OR WITHOUT SITUS INVERSUS. Identifiers: MedGen C4539798, MONDO:0033204, OMIM 617577.
Spermatogenic failure 18. Identifiers: MedGen C4539783, MONDO:0054615, OMIM 617576.

Allele frequency attached by ClinVar (database versions not stated): gnomAD 0.00001 and 0.00003; gnomAD exomes 0.00001; TOPMed 0.00001; ExAC 0.00003; ESP Exome Variant Server 0.00008; 1000 Genomes Project 30x 0.00047; 1000 Genomes Project 0.00060.
gnomAD v4.1: 19 of 1,613,752 alleles (0.0012%); highest among the groups gnomAD compares: African/African-American, 0.023%; no homozygotes.

Submission:

Labcorp Genetics (formerly Invitae), Labcorp
Classification: Uncertain significance for Ciliary dyskinesia, primary, 37; Spermatogenic failure 18. Last evaluated: 2022-11-01. Review status: criteria provided, single submitter. Criteria: Invitae Variant Classification Sherloc (09022015). Collection method: clinical testing. Allele origin: germline.
Comment: In summary, the available evidence is currently insufficient to determine the role of this variant in disease. Therefore, it has been classified as a Variant of Uncertain Significance. Advanced modeling of protein sequence and biophysical properties (such as structural, functional, and spatial information, amino acid conservation, physicochemical variation, residue mobility, and thermodynamic stability) performed at Invitae indicates that this missense variant is not expected to disrupt DNAH1 protein function. ClinVar contains an entry for this variant (Variation ID: 1433975). This variant has not been reported in the literature in individuals affected with DNAH1-related conditions. This variant is present in population databases (rs370296891, gnomAD 0.01%). This sequence change replaces proline, which is neutral and non-polar, with serine, which is neutral and polar, at codon 220 of the DNAH1 protein (p.Pro220Ser).

NM_015512.5(DNAH1):c.658C>T (p.Pro220Ser)

Gene: DNAH1 (dynein axonemal heavy chain 1; plus strand). Cytogenetic location: 3p21.1.
Variant type: single nucleotide variant.
Coding change: c.658C>T on transcript NM_015512.5 (MANE Select); coding-DNA position 658, C replaced by T.
Protein change: p.Pro220Ser; replaces proline 220 with serine.
Molecular consequence: missense variant.
Genome position (GRCh38, 1-based): chr3:52,326,811, C>T. VCF-style: chr3-52326811-C-T. GRCh37 (hg19) VCF-style: chr3-52360827-C-T.
Other names: short protein forms P220S.
Identifiers: ClinVar variation 1433975 (VCV001433975.6), dbSNP rs370296891, ClinGen allele CA2432716.